The following is an entry in ClinVar:

ClinVar aggregate classification (germline): Uncertain significance. Review status: criteria provided, multiple submitters, no conflicts (2 of 4 stars). 2 submissions from 2 submitters: Uncertain significance (2). Last evaluated 2023-12-07.

Submissions (2):

GeneDx
Classification: Uncertain significance. Last evaluated: 2023-12-07. Review status: criteria provided, single submitter. Criteria: GeneDx Variant Classification Process June 2021. Collection method: clinical testing. Allele origin: germline. Affected: yes.
Comment: Not observed at significant frequency in large population cohorts (gnomAD); In silico analysis supports that this missense variant has a deleterious effect on protein structure/function; Has not been previously published as pathogenic or benign to our knowledge

Labcorp Genetics (formerly Invitae), Labcorp
Classification: Uncertain significance. Last evaluated: 2022-09-09. Review status: criteria provided, single submitter. Criteria: Invitae Variant Classification Sherloc (09022015). Collection method: clinical testing. Allele origin: germline.
Comment: Algorithms developed to predict the effect of missense changes on protein structure and function are either unavailable or do not agree on the potential impact of this missense change (SIFT: "Deleterious"; PolyPhen-2: "Probably Damaging"; Align-GVGD: "Class C0"). This sequence change replaces leucine, which is neutral and non-polar, with serine, which is neutral and polar, at codon 313 of the PLK4 protein (p.Leu313Ser). This variant is not present in population databases (gnomAD no frequency). This variant has not been reported in the literature in individuals affected with PLK4-related conditions. In summary, the available evidence is currently insufficient to determine the role of this variant in disease. Therefore, it has been classified as a Variant of Uncertain Significance.

NM_014264.5(PLK4):c.938T>C (p.Leu313Ser)

Gene: PLK4 (polo like kinase 4; plus strand). Cytogenetic location: 4q28.1.
Variant type: single nucleotide variant.
Coding change: c.938T>C on transcript NM_014264.5 (MANE Select); coding-DNA position 938, T replaced by C.
Protein change: p.Leu313Ser; replaces leucine 313 with serine.
Molecular consequence: missense variant.
Genome position (GRCh38, 1-based): chr4:127,886,308, T>C. VCF-style: chr4-127886308-T-C. GRCh37 (hg19) VCF-style: chr4-128807463-T-C.
Other names: c.938T>C (NM_014264.4); c.842T>C, p.Leu281Ser (NM_001190799.2); c.815T>C, p.Leu272Ser (NM_001190801.2); short protein forms L281S, L313S, L272S.
Identifiers: ClinVar variation 2031876 (VCV002031876.5), dbSNP rs2546013266, ClinGen allele CA358151617.